The following is an entry in ClinVar:

ClinVar aggregate classification (germline): Uncertain significance (1 of 4 stars; one submission).

Submission:

Labcorp Genetics (formerly Invitae), Labcorp
Classification: Uncertain significance. Last evaluated: 2022-08-16. Review status: criteria provided, single submitter. Criteria: Invitae Variant Classification Sherloc (09022015). Collection method: clinical testing. Allele origin: germline.
Comment: This variant has not been reported in the literature in individuals affected with TGM6-related conditions. Information on the frequency of this variant in the gnomAD database is not available, as this variant may be reported differently in the database. This sequence change replaces alanine, which is neutral and non-polar, with asparagine, which is neutral and polar, at codon 278 of the TGM6 protein (p.Ala278Asn). In summary, the available evidence is currently insufficient to determine the role of this variant in disease. Therefore, it has been classified as a Variant of Uncertain Significance. Algorithms developed to predict the effect of missense changes on protein structure and function are either unavailable or do not agree on the potential impact of this missense change (SIFT: "Not Available"; PolyPhen-2: "Probably Damaging"; Align-GVGD: "Not Available").

NM_198994.3(TGM6):c.832_833delinsAA (p.Ala278Asn)

Gene: TGM6 (transglutaminase 6; plus strand). Cytogenetic location: 20p13.
Variant type: Indel.
Coding change: c.832_833delinsAA on transcript NM_198994.3 (MANE Select); coding-DNA positions 832 to 833, GC replaced by AA.
Protein change: p.Ala278Asn; replaces alanine 278 with asparagine.
Molecular consequence: missense variant.
Genome position (GRCh38, 1-based): chr20:2,399,720-2,399,721, GC replaced by AA. VCF-style: chr20-2399720-GC-AA. GRCh37 (hg19) VCF-style: chr20-2380366-GC-AA.
Other names: c.832_833delinsAA, p.Ala278Asn (NM_001254734.2); short protein forms A278N.
Identifiers: ClinVar variation 2126451 (VCV002126451.4), dbSNP rs2514373293, ClinGen allele CA2580097964.